The following is an entry in ClinVar:

NM_138459.5(NUS1):c.179del (p.Pro60fs)

Gene: NUS1 (NUS1 dehydrodolichyl diphosphate synthase subunit; plus strand). Cytogenetic location: 6q22.1.
Variant type: Deletion.
Coding change: c.179del on transcript NM_138459.5 (MANE Select); coding-DNA position 179, one base deleted (C; older notation c.179delC).
Protein change: p.Pro60fs; shifts the reading frame from proline 60.
Molecular consequence: frameshift variant.
Genome position (GRCh38, 1-based): chr6:117,675,849, C deleted; the last of 5 consecutive C bases (chr6:117,675,845-117,675,849); deleting any one gives the same sequence. VCF-style (leftmost placement, unchanged base first): chr6-117675844-GC-G. GRCh37 (hg19) VCF-style: chr6-117997007-GC-G.
Other names: short protein forms P60fs.
Identifiers: ClinVar variation 4854413 (VCV004854413.1).

ClinVar aggregate classification (germline): Likely pathogenic (1 of 4 stars; one submission).

Conditions:
Intellectual developmental disorder, autosomal dominant 55, with seizures. Also called: MENTAL RETARDATION, AUTOSOMAL DOMINANT 55, WITH SEIZURES; Intellectual disability, autosomal dominant 55, with seizures. Identifiers: MedGen C4693371, MONDO:0030921, OMIM 617831.

Submission:

3billion
Classification: Likely pathogenic for Intellectual developmental disorder, autosomal dominant 55, with seizures. Last evaluated: 2025-07-07. Review status: criteria provided, single submitter. Criteria: ACMG Guidelines, 2015. Collection method: clinical testing. Allele origin: germline. Affected: yes.
Comment: The variant is observed at an extremely low frequency in the gnomAD v4.1.0 dataset (total allele frequency: <0.001%). Predicted Consequence/Location: Frameshift: predicted to result in a loss or disruption of normal protein function through nonsense-mediated decay (NMD) or protein truncation. Multiple pathogenic variants are reported downstream of the variant. Therefore, this variant is classified as Likely pathogenic according to the recommendation of ACMG/AMP guideline.